The following is an entry in ClinVar:

NM_015915.5(ATL1):c.*392C>A

Gene: ATL1 (atlastin GTPase 1; plus strand). Cytogenetic location: 14q22.1.
Variant type: single nucleotide variant.
Coding change: c.*392C>A on transcript NM_015915.5 (MANE Select); 392 bases downstream of the stop codon, C replaced by A.
Molecular consequence: 3 prime UTR variant.
Genome position (GRCh38, 1-based): chr14:50,632,731, C>A. VCF-style: chr14-50632731-C-A. GRCh37 (hg19) VCF-style: chr14-51099449-C-A.
Other names: c.*392C>A (NM_001127713.1, NM_181598.4).
Identifiers: ClinVar variation 313311 (VCV000313311.5), dbSNP rs138209522, ClinGen allele CA10644227.
Genomic context (GRCh38, chr14:50,632,731, plus strand): 5'-CCACGTTTGGATATGCTCATTTAATTTCTACAGAAAAAATTTTAAATTATTTCACATTAG[C>A]CATTTGTTAAAACACAGCATCATAACTCAGCAGGCTGGATTTAATCTGTATCATCTTATA-3'

ClinVar aggregate classification (germline): Benign (1 of 4 stars; one submission).

Conditions:
Hereditary spastic paraplegia 3A (SPG3A). Also called: SPASTIC PARAPLEGIA 3, AUTOSOMAL DOMINANT; FAMILIAL SPASTIC PARAPLEGIA, AUTOSOMAL DOMINANT, 1; SPG3; STRUMPELL DISEASE; Spastic Paraplegia 3A; Spastic paraplegia 3A, autosomal dominant. Identifiers: Orphanet 100984, MedGen C2931355, MONDO:0008437, OMIM 182600.

Allele frequency attached by ClinVar (database versions not stated): gnomAD 0.00202 and 0.00214; 1000 Genomes Project 30x 0.00234; TOPMed 0.00238; 1000 Genomes Project 0.00280.
gnomAD v4.1: 317 of 211,456 alleles (0.15%); highest among the groups gnomAD compares: African/African-American, 0.7%; 4 homozygotes.

Submission:

Illumina Laboratory Services, Illumina
Classification: Benign for Hereditary spastic paraplegia 3A. Last evaluated: 2018-01-12. Review status: criteria provided, single submitter. Criteria: ICSL Variant Classification Criteria 13 December 2019. Collection method: clinical testing. Allele origin: germline.
Comment: This variant was observed in the ICSL laboratory as part of a predisposition screen in an ostensibly healthy population. It had not been previously curated by ICSL or reported in the Human Gene Mutation Database (HGMD: prior to June 1st, 2018), and was therefore a candidate for classification through an automated scoring system. Utilizing variant allele frequency, disease prevalence and penetrance estimates, and inheritance mode, an automated score was calculated to assess if this variant is too frequent to cause the disease. Based on the score and internal cut-off values, a variant classified as benign is not then subjected to further curation. The score for this variant resulted in a classification of benign for this disease.